The following is an entry in ClinVar:

NM_139321.3(ATRN):c.1958G>A (p.Ser653Asn)

Gene: ATRN (attractin; plus strand). Cytogenetic location: 20p13.
Variant type: single nucleotide variant.
Coding change: c.1958G>A on transcript NM_139321.3 (MANE Select); coding-DNA position 1958, G replaced by A.
Protein change: p.Ser653Asn; replaces serine 653 with asparagine.
Molecular consequence: missense variant.
Genome position (GRCh38, 1-based): chr20:3,572,817, G>A. VCF-style: chr20-3572817-G-A. GRCh37 (hg19) VCF-style: chr20-3553464-G-A.
Other names: c.1610G>A, p.Ser537Asn (NM_001207047.3); c.1958G>A, p.Ser653Asn (NM_001323332.2, NM_139322.4); short protein forms S653N, S537N.
Identifiers: ClinVar variation 2106747 (VCV002106747.4), dbSNP rs1568737866, ClinGen allele CA408092855.

ClinVar aggregate classification (germline): Uncertain significance (1 of 4 stars; one submission).

Allele frequency attached by ClinVar (database versions not stated): TOPMed 0.00001.

Submission:

Labcorp Genetics (formerly Invitae), Labcorp
Classification: Uncertain significance. Last evaluated: 2022-03-04. Review status: criteria provided, single submitter. Criteria: Invitae Variant Classification Sherloc (09022015). Collection method: clinical testing. Allele origin: germline.
Comment: This sequence change replaces serine, which is neutral and polar, with asparagine, which is neutral and polar, at codon 653 of the ATRN protein (p.Ser653Asn). This variant is not present in population databases (gnomAD no frequency). This variant has not been reported in the literature in individuals affected with ATRN-related conditions. Algorithms developed to predict the effect of missense changes on protein structure and function (SIFT, PolyPhen-2, Align-GVGD) all suggest that this variant is likely to be tolerated. In summary, the available evidence is currently insufficient to determine the role of this variant in disease. Therefore, it has been classified as a Variant of Uncertain Significance.